The following is an entry in ClinVar:

ClinVar aggregate classification (germline): Uncertain significance (1 of 4 stars; one submission).

Allele frequency attached by ClinVar (database versions not stated): TOPMed 0.00001; gnomAD exomes 0.00004; gnomAD 0.00010; ExAC 0.00012; 1000 Genomes Project 30x 0.00016; 1000 Genomes Project 0.00020.

Submission:

Labcorp Genetics (formerly Invitae), Labcorp
Classification: Uncertain significance. Last evaluated: 2022-10-25. Review status: criteria provided, single submitter. Criteria: Invitae Variant Classification Sherloc (09022015). Collection method: clinical testing. Allele origin: germline.
Comment: This sequence change replaces methionine, which is neutral and non-polar, with valine, which is neutral and non-polar, at codon 10 of the GFM2 protein (p.Met10Val). This variant is present in population databases (rs199839942, gnomAD 0.07%), and has an allele count higher than expected for a pathogenic variant. This variant has not been reported in the literature in individuals affected with GFM2-related conditions. Algorithms developed to predict the effect of missense changes on protein structure and function output the following: SIFT: "Tolerated"; PolyPhen-2: "Benign"; Align-GVGD: "Class C0". The valine amino acid residue is found in multiple mammalian species, which suggests that this missense change does not adversely affect protein function. Algorithms developed to predict the effect of sequence changes on RNA splicing suggest that this variant may create or strengthen a splice site. In summary, the available evidence is currently insufficient to determine the role of this variant in disease. Therefore, it has been classified as a Variant of Uncertain Significance.

NM_032380.5(GFM2):c.28A>G (p.Met10Val)

Gene: GFM2 (GTP dependent ribosome recycling factor mitochondrial 2; minus strand). Cytogenetic location: 5q13.3.
Variant type: single nucleotide variant.
Coding change: c.28A>G on transcript NM_032380.5 (MANE Select); coding-DNA position 28, A replaced by G.
Protein change: p.Met10Val; replaces methionine 10 with valine.
Molecular consequence: missense variant. On other transcripts: non-coding transcript variant (1).
Genome position (GRCh38, 1-based): chr5:74,763,715, T>C on the plus strand (A>G on the coding strand, the complement: GFM2 is on the minus strand). VCF-style: chr5-74763715-T-C. GRCh37 (hg19) VCF-style: chr5-74059540-T-C.
Other names: c.124A>G, p.Met42Val (NM_001281302.2); c.28A>G, p.Met10Val (NM_170681.3, NM_170691.3); short protein forms M10V, M42V.
Identifiers: ClinVar variation 2419177 (VCV002419177.6), dbSNP rs199839942, ClinGen allele CA3306950.